The following is an entry in ClinVar:

NM_000089.4(COL1A2):c.1562C>T (p.Ala521Val)

Gene: COL1A2 (collagen type I alpha 2 chain; plus strand). Cytogenetic location: 7q21.3.
Variant type: single nucleotide variant.
Coding change: c.1562C>T on transcript NM_000089.4 (MANE Select); coding-DNA position 1562, C replaced by T.
Protein change: p.Ala521Val; replaces alanine 521 with valine.
Molecular consequence: missense variant.
Genome position (GRCh38, 1-based): chr7:94,413,694, C>T. VCF-style: chr7-94413694-C-T. GRCh37 (hg19) VCF-style: chr7-94043006-C-T.
Other names: short protein forms A521V.
Identifiers: ClinVar variation 1959078 (VCV001959078.5), dbSNP rs140434765, ClinGen allele CA4347119.

ClinVar aggregate classification (germline): Uncertain significance (1 of 4 stars; one submission).

Conditions:
Ehlers-Danlos syndrome, classic type, 1 (EDSCL1). Also called: EHLERS-DANLOS SYNDROME, GRAVIS TYPE; EHLERS-DANLOS SYNDROME, SEVERE CLASSIC TYPE; Ehlers-Danlos syndrome, type 1; EDS I; Ehlers-Danlos Syndrome, Classic Type, COL5A1-Related. Identifiers: MedGen C0268335, MONDO:0019567, OMIM 130000.
Osteogenesis imperfecta type I (OI1). Also called: OI, TYPE I; OSTEOGENESIS IMPERFECTA TARDA; OSTEOGENESIS IMPERFECTA WITH BLUE SCLERAE; Osteogenesis imperfecta type 1; Lobstein's Disease; Lobstein disease. Identifiers: Orphanet 216796, Orphanet 666, MedGen C0023931, MONDO:0008146, OMIM 166200. Disease mechanism: loss of function.

Allele frequency attached by ClinVar (database versions not stated): ExAC 0.00001; ESP Exome Variant Server 0.00008; gnomAD exomes 0.00001.
gnomAD v4.1: 3 of 1,614,170 alleles (0.00019%); highest among the groups gnomAD compares: Non-Finnish European, 0.00025%; no homozygotes.

Submission:

Labcorp Genetics (formerly Invitae), Labcorp
Classification: Uncertain significance for Osteogenesis imperfecta type I; Ehlers-Danlos syndrome, classic type, 1. Last evaluated: 2022-03-03. Review status: criteria provided, single submitter. Criteria: Invitae Variant Classification Sherloc (09022015). Collection method: clinical testing. Allele origin: germline.
Comment: This variant has not been reported in the literature in individuals affected with COL1A2-related conditions. Advanced modeling of protein sequence and biophysical properties (such as structural, functional, and spatial information, amino acid conservation, physicochemical variation, residue mobility, and thermodynamic stability) performed at Invitae indicates that this missense variant is not expected to disrupt COL1A2 protein function. In summary, the available evidence is currently insufficient to determine the role of this variant in disease. Therefore, it has been classified as a Variant of Uncertain Significance. This variant is present in population databases (rs140434765, gnomAD 0.002%). This sequence change replaces alanine, which is neutral and non-polar, with valine, which is neutral and non-polar, at codon 521 of the COL1A2 protein (p.Ala521Val).